The following is an entry in ClinVar:

ClinVar aggregate classification (germline): Uncertain significance (1 of 4 stars; one submission).

Allele frequency attached by ClinVar (database versions not stated): gnomAD exomes below 0.00001.
gnomAD v4.1: 4 of 1,613,664 alleles (0.00025%); highest among the groups gnomAD compares: South Asian, 0.0044%; no homozygotes.

Submission:

GeneDx
Classification: Uncertain significance. Last evaluated: 2026-02-06. Review status: criteria provided, single submitter. Criteria: GeneDx Variant Classification Process June 2021. Collection method: clinical testing. Allele origin: germline. Affected: yes.
Comment: Not observed at significant frequency in large population cohorts (gnomAD); In silico analysis suggests that this missense variant does not alter protein structure/function; Has not been previously published as pathogenic or benign to our knowledge

NM_016529.6(ATP8A2):c.1551T>G (p.Asp517Glu)

Gene: ATP8A2 (ATPase phospholipid transporting 8A2). Cytogenetic location: 13q12.13.
Variant type: single nucleotide variant.
Coding change: c.1551T>G on transcript NM_016529.6 (MANE Select); coding-DNA position 1551, T replaced by G.
Protein change: p.Asp517Glu; replaces aspartic acid 517 with glutamic acid.
Molecular consequence: missense variant.
Genome position (GRCh38, 1-based): chr13:25,570,844, T>G. VCF-style: chr13-25570844-T-G. GRCh37 (hg19) VCF-style: chr13-26144982-T-G.
Other names: c.1431T>G, p.Asp477Glu (NM_001313741.1); c.1551T>G, p.Asp517Glu (NM_001411005.1, NM_001411006.1); short protein forms D477E, D517E.
Identifiers: ClinVar variation 2506837 (VCV002506837.2), dbSNP rs1467169528, ClinGen allele CA387614159.